The following is an entry in ClinVar:

ClinVar aggregate classification (germline): Uncertain significance (1 of 4 stars; one submission).

Conditions:
RASopathy. Also called: Noonan spectrum disorder; rasopathies. Identifiers: Orphanet 536391, MedGen C5555857, MONDO:0021060.

gnomAD v4.1: 2 of 1,581,498 alleles (0.00013%); highest among the groups gnomAD compares: Non-Finnish European, 0.00017%; no homozygotes.

Submission:

Labcorp Genetics (formerly Invitae), Labcorp
Classification: Uncertain significance for RASopathy. Last evaluated: 2026-01-15. Review status: criteria provided, single submitter. Criteria: Invitae Variant Classification Sherloc (09022015). Collection method: clinical testing. Allele origin: germline.
Comment: This sequence change replaces glycine, which is neutral and non-polar, with serine, which is neutral and polar, at codon 14 of the CBL protein (p.Gly14Ser). This variant is not present in population databases (gnomAD no frequency). This variant has not been reported in the literature in individuals affected with CBL-related conditions. ClinVar contains an entry for this variant (Variation ID: 566860). Invitae Evidence Modeling of protein sequence and biophysical properties (such as structural, functional, and spatial information, amino acid conservation, physicochemical variation, residue mobility, and thermodynamic stability) indicates that this missense variant is not expected to disrupt CBL protein function with a negative predictive value of 95%. In summary, the available evidence is currently insufficient to determine the role of this variant in disease. Therefore, it has been classified as a Variant of Uncertain Significance.

NM_005188.4(CBL):c.40G>A (p.Gly14Ser)

Genes: CBL (Cbl proto-oncogene; plus strand), LOC130006895 (ATAC-STARR-seq lymphoblastoid silent region 3975; plus strand). Cytogenetic location: 11q23.3.
Variant type: single nucleotide variant.
Coding change: c.40G>A on transcript NM_005188.4 (MANE Select); coding-DNA position 40, G replaced by A.
Protein change: p.Gly14Ser; replaces glycine 14 with serine.
Molecular consequence: missense variant.
Genome position (GRCh38, 1-based): chr11:119,206,457, G>A. VCF-style: chr11-119206457-G-A. GRCh37 (hg19) VCF-style: chr11-119077167-G-A.
Other names: short protein forms G14S.
Identifiers: ClinVar variation 566860 (VCV000566860.9), dbSNP rs1565851542, ClinGen allele CA382975764.
Genomic context (GRCh38, chr11:119,206,457, plus strand): 5'-GGCTCCGACCCTGCCCAGGCCATGGCCGGCAACGTGAAGAAGAGCTCTGGGGCCGGGGGC[G>A]GCAGCGGCTCCGGGGGCTCGGGTTCGGGTGGCCTGATTGGGCTCATGAAGGACGCCTTCC-3'
Protein context (NP_005179.2, residues 4-24): NVKKSSGAGG[Gly14Ser]SGSGGSGSGG